The following is an entry in ClinVar:

NM_006734.4(HIVEP2):c.3295A>T (p.Met1099Leu)

Gene: HIVEP2 (HIVEP zinc finger 2; minus strand). Cytogenetic location: 6q24.2.
Variant type: single nucleotide variant.
Coding change: c.3295A>T on transcript NM_006734.4 (MANE Select); coding-DNA position 3295, A replaced by T.
Protein change: p.Met1099Leu; replaces methionine 1099 with leucine.
Molecular consequence: missense variant.
Genome position (GRCh38, 1-based): chr6:142,771,444, T>A on the plus strand (A>T on the coding strand, the complement: HIVEP2 is on the minus strand). VCF-style: chr6-142771444-T-A. GRCh37 (hg19) VCF-style: chr6-143092581-T-A.
Other names: c.3295A>T (NM_006734.3); short protein forms M1099L.
Identifiers: ClinVar variation 2045073 (VCV002045073.13), dbSNP rs748049124, ClinGen allele CA4028283.

ClinVar aggregate classification (germline): Likely benign. Review status: criteria provided, multiple submitters, no conflicts (2 of 4 stars). 3 submissions from 3 submitters: Likely benign (3). Last evaluated 2025-08-01.

Conditions:
Inborn genetic diseases. Identifiers: MedGen C0950123, MeSH D030342.

Allele frequency attached by ClinVar (database versions not stated): gnomAD 0.00002; ExAC 0.00003; TOPMed 0.00004.

Submissions (3):

CeGaT Center for Human Genetics Tuebingen
Classification: Likely benign. Last evaluated: 2025-08-01. Review status: criteria provided, single submitter. Criteria: CeGaT Center For Human Genetics Tuebingen Variant Classification Criteria Version 2. Collection method: clinical testing. Allele origin: germline. Affected: yes. Observed: 1 variant allele.
Comment: HIVEP2: BP4

Ambry Genetics
Classification: Likely benign for Inborn genetic diseases. Last evaluated: 2024-08-19. Review status: criteria provided, single submitter. Criteria: Ambry Variant Classification Scheme 2023. Collection method: clinical testing. Allele origin: germline.

Labcorp Genetics (formerly Invitae), Labcorp
Classification: Likely benign. Last evaluated: 2023-12-11. Review status: criteria provided, single submitter. Criteria: Invitae Variant Classification Sherloc (09022015). Collection method: clinical testing. Allele origin: germline.